The following is an entry in ClinVar:

ClinVar aggregate classification (germline): Uncertain significance (1 of 4 stars; one submission).

Allele frequency attached by ClinVar (database versions not stated): gnomAD exomes below 0.00001; gnomAD 0.00001; TOPMed 0.00001.
gnomAD v4.1: 5 of 1,613,874 alleles (0.00031%); highest among the groups gnomAD compares: South Asian, 0.0011%; no homozygotes.

Submission:

Ambry Genetics
Classification: Uncertain significance. Last evaluated: 2024-03-14. Review status: criteria provided, single submitter. Criteria: Ambry Variant Classification Scheme 2023. Collection method: clinical testing. Allele origin: germline.
Comment: The p.N913D variant (also known as c.2737A>G), located in coding exon 13 of the NPAT gene, results from an A to G substitution at nucleotide position 2737. The asparagine at codon 913 is replaced by aspartic acid, an amino acid with highly similar properties. This amino acid position is conserved. In addition, this alteration is predicted to be tolerated by in silico analysis. Since supporting evidence is limited at this time, the clinical significance of this alteration remains unclear.

NM_002519.3(NPAT):c.2737A>G (p.Asn913Asp)

Gene: NPAT (nuclear protein, coactivator of histone transcription; minus strand). Cytogenetic location: 11q22.3.
Variant type: single nucleotide variant.
Coding change: c.2737A>G on transcript NM_002519.3 (MANE Select); coding-DNA position 2737, A replaced by G.
Protein change: p.Asn913Asp; replaces asparagine 913 with aspartic acid.
Molecular consequence: missense variant.
Genome position (GRCh38, 1-based): chr11:108,172,247, T>C on the plus strand (A>G on the coding strand, the complement: NPAT is on the minus strand). VCF-style: chr11-108172247-T-C. GRCh37 (hg19) VCF-style: chr11-108042974-T-C.
Other names: c.2737A>G, p.Asn913Asp (NM_001321307.1); short protein forms N913D.
Identifiers: ClinVar variation 1795360 (VCV001795360.2), dbSNP rs1388990262, ClinGen allele CA382512345.
Genomic context (GRCh38, chr11:108,172,247, plus strand): 5'-TATTAAAGTTACCTTGTGAAAAGTTTGGTGACACAGCTTGGTTGACAGCAAATACACTGT[T>C]TGACCTTGGTGGTGTCTGTAACTGAGGTGGTAGAGGTTGAGCAGTCATAGGTGCAGAATT-3'
Protein context (NP_002510.2, residues 903-923): PPQLQTPPRS[Asn913Asp]SVFAVNQAVS